The following is an entry in ClinVar:

NM_000245.4(MET):c.2845C>T (p.Leu949Phe)

Gene: MET (MET proto-oncogene, receptor tyrosine kinase; plus strand). Cytogenetic location: 7q31.2.
Variant type: single nucleotide variant.
Coding change: c.2845C>T on transcript NM_000245.4 (MANE Select); coding-DNA position 2845, C replaced by T.
Protein change: p.Leu949Phe; replaces leucine 949 with phenylalanine.
Molecular consequence: missense variant.
Genome position (GRCh38, 1-based): chr7:116,771,612, C>T. VCF-style: chr7-116771612-C-T. GRCh37 (hg19) VCF-style: chr7-116411666-C-T.
Other names: c.2899C>T, p.Leu967Phe (NM_001127500.3); c.1555C>T, p.Leu519Phe (NM_001324402.2); short protein forms L949F, L519F, L967F.
Identifiers: ClinVar variation 2835973 (VCV002835973.4), dbSNP rs2116992800, ClinGen allele CA368986663.

ClinVar aggregate classification (germline): Uncertain significance. Review status: criteria provided, multiple submitters, no conflicts (2 of 4 stars). 2 submissions from 2 submitters: Uncertain significance (2). Last evaluated 2024-03-31.

Conditions:
Hereditary cancer-predisposing syndrome. Also called: Tumor predisposition; Neoplastic Syndromes, Hereditary; Hereditary Cancer Syndrome; Hereditary neoplastic syndrome. Identifiers: Orphanet 140162, MedGen C0027672, MeSH D009386, MONDO:0015356.
Renal cell carcinoma. Identifiers: Orphanet 217071, MedGen C0007134, MeSH D002292, MONDO:0005086, HP:0005584.

Allele frequency attached by ClinVar (database versions not stated): gnomAD exomes below 0.00001.
gnomAD v4.1: 1 of 1,613,916 alleles (0.000062%); highest among the groups gnomAD compares: Non-Finnish European, 0.000085%; no homozygotes.

Submissions (2):

Ambry Genetics
Classification: Uncertain significance for Hereditary cancer-predisposing syndrome. Last evaluated: 2024-03-31. Review status: criteria provided, single submitter. Criteria: Ambry Variant Classification Scheme 2023. Collection method: clinical testing. Allele origin: germline.
Comment: The p.L967F variant (also known as c.2899C>T), located in coding exon 12 of the MET gene, results from a C to T substitution at nucleotide position 2899. The leucine at codon 967 is replaced by phenylalanine, an amino acid with highly similar properties. This amino acid position is conserved. In addition, this alteration is predicted to be tolerated by in silico analysis. Based on the available evidence, the clinical significance of this alteration remains unclear.

Labcorp Genetics (formerly Invitae), Labcorp
Classification: Uncertain significance for Renal cell carcinoma. Last evaluated: 2023-02-10. Review status: criteria provided, single submitter. Criteria: Invitae Variant Classification Sherloc (09022015). Collection method: clinical testing. Allele origin: germline.
Comment: This sequence change replaces leucine, which is neutral and non-polar, with phenylalanine, which is neutral and non-polar, at codon 967 of the MET protein (p.Leu967Phe). This variant is not present in population databases (gnomAD no frequency). This variant has not been reported in the literature in individuals affected with MET-related conditions. Advanced modeling of protein sequence and biophysical properties (such as structural, functional, and spatial information, amino acid conservation, physicochemical variation, residue mobility, and thermodynamic stability) performed at Invitae indicates that this missense variant is not expected to disrupt MET protein function. In summary, the available evidence is currently insufficient to determine the role of this variant in disease. Therefore, it has been classified as a Variant of Uncertain Significance.